The following is an entry in ClinVar:

ClinVar aggregate classification (germline): Conflicting classifications of pathogenicity. Review status: criteria provided, conflicting classifications (1 of 4 stars). 3 submissions from 3 submitters: Uncertain significance (2); Likely benign (1). Last evaluated 2026-07-05.

Conditions:
ATM-related disorder. Also called: ATM-related disorders; ATM-related condition.
Hereditary cancer-predisposing syndrome. Also called: Tumor predisposition; Neoplastic Syndromes, Hereditary; Hereditary neoplastic syndrome; Hereditary Cancer Syndrome. Identifiers: Orphanet 140162, MedGen C0027672, MeSH D009386, MONDO:0015356.
Ataxia-telangiectasia syndrome (AT). Also called: Ataxia-telangiectasia, complementation group D; AT, COMPLEMENTATION GROUP C; ATAXIA-TELANGIECTASIA, COMPLEMENTATION GROUP A; ATAXIA-TELANGIECTASIA, FRESNO VARIANT; Ataxia-telangiectasia; Ataxia telangiectasia (A-T). Identifiers: Orphanet 100, MedGen C0004135, MONDO:0008840, OMIM 208900.

Allele frequency attached by ClinVar (database versions not stated): TOPMed below 0.00001.
gnomAD v4.1: 1 of 1,613,586 alleles (0.000062%); highest among the groups gnomAD compares: Admixed American, 0.0017%; no homozygotes.

Submissions (3):

PreventionGenetics, part of Exact Sciences
Classification: Uncertain significance for ATM-related condition. Last evaluated: 2026-07-05. Review status: criteria provided, single submitter. Criteria: ACMG Guidelines, 2015. Collection method: clinical testing. Allele origin: germline.
Comment: The ATM c.6196C>A variant is predicted to result in the amino acid substitution p.Gln2066Lys. To our knowledge, this variant has not been reported in the literature or in a large population database (gnomAD), indicating this variant is rare. At this time, the clinical significance of this variant is uncertain due to the absence of conclusive functional and genetic evidence.

Labcorp Genetics (formerly Invitae), Labcorp
Classification: Uncertain significance for Ataxia-telangiectasia syndrome. Last evaluated: 2025-10-23. Review status: criteria provided, single submitter. Criteria: Invitae Variant Classification Sherloc (09022015). Collection method: clinical testing. Allele origin: germline.
Comment: This sequence change replaces glutamine, which is neutral and polar, with lysine, which is basic and polar, at codon 2066 of the ATM protein (p.Gln2066Lys). This variant is not present in population databases (gnomAD no frequency). This variant has not been reported in the literature in individuals affected with ATM-related conditions. ClinVar contains an entry for this variant (Variation ID: 968030). An algorithm developed to predict the effect of missense changes on protein structure and function (PolyPhen-2) suggests that this variant is likely to be tolerated. In summary, the available evidence is currently insufficient to determine the role of this variant in disease. Therefore, it has been classified as a Variant of Uncertain Significance.

Ambry Genetics
Classification: Likely benign for Hereditary cancer-predisposing syndrome. Last evaluated: 2024-08-30. Review status: criteria provided, single submitter. Criteria: Ambry Variant Classification Scheme 2023. Collection method: clinical testing. Allele origin: germline.

NM_000051.4(ATM):c.6196C>A (p.Gln2066Lys)

Genes: C11orf65 (chromosome 11 open reading frame 65; minus strand), ATM (ATM serine/threonine kinase; plus strand). Cytogenetic location: 11q22.3.
Variant type: single nucleotide variant.
Coding change: c.6196C>A on transcript NM_000051.4 (MANE Select); coding-DNA position 6196, C replaced by A.
Protein change: p.Gln2066Lys; replaces glutamine 2066 with lysine.
Molecular consequence: missense variant. On other transcripts: intron variant (2).
Genome position (GRCh38, 1-based): chr11:108,316,111, C>A. VCF-style: chr11-108316111-C-A. GRCh37 (hg19) VCF-style: chr11-108186838-C-A.
Other names: c.6196C>A, p.Gln2066Lys (NM_001351834.2); c.641-7040G>T (NM_001330368.2); c.*39-7040G>T (NM_001351110.2); short protein forms Q2066K.
Identifiers: ClinVar variation 968030 (VCV000968030.7), dbSNP rs1361215494, ClinGen allele CA382550801.